The following is an entry in ClinVar:

NM_025215.6(PUS1):c.523C>T (p.Pro175Ser)

Gene: PUS1 (pseudouridine synthase 1; plus strand). Cytogenetic location: 12q24.33.
Variant type: single nucleotide variant.
Coding change: c.523C>T on transcript NM_025215.6 (MANE Select); coding-DNA position 523, C replaced by T.
Protein change: p.Pro175Ser; replaces proline 175 with serine.
Molecular consequence: missense variant.
Genome position (GRCh38, 1-based): chr12:131,939,254, C>T. VCF-style: chr12-131939254-C-T. GRCh37 (hg19) VCF-style: chr12-132423799-C-T.
Other names: c.439C>T, p.Pro147Ser (NM_001002019.3, NM_001002020.3); short protein forms P147S, P175S.
Identifiers: ClinVar variation 1698122 (VCV001698122.3), dbSNP rs777972973, ClinGen allele CA6884156.
Genomic context (GRCh38, chr12:131,939,254, plus strand): 5'-GTGGTATCCCTGAAGGTGTGGCTGATTGACGACATTCTAGAAAAGATCAACAGCCACCTT[C>T]CCTCTCACATTCGGATTCTGGGTAAGCCTTGCAGTGCAGGCGGCCACACACCTGGTTGTA-3'
Protein context (NP_079491.2, residues 165-185): DILEKINSHL[Pro175Ser]SHIRILGLKR

ClinVar aggregate classification (germline): Uncertain significance. Review status: criteria provided, multiple submitters, no conflicts (2 of 4 stars). 2 submissions from 2 submitters: Uncertain significance (2). Last evaluated 2025-04-08.

Conditions:
PUS1-related disorder. Also called: PUS1-related condition.

Allele frequency attached by ClinVar (database versions not stated): gnomAD exomes below 0.00001 and 0.00001; gnomAD 0.00003; TOPMed 0.00006.
gnomAD v4.1: 5 of 1,557,448 alleles (0.00032%); highest among the groups gnomAD compares: African/African-American, 0.0068%; no homozygotes.

Submissions (2):

PreventionGenetics, part of Exact Sciences
Classification: Uncertain significance for PUS1-related condition. Last evaluated: 2025-04-08. Review status: criteria provided, single submitter. Criteria: ACMG Guidelines, 2015. Collection method: clinical testing. Allele origin: germline.
Comment: The PUS1 c.523C>T variant is predicted to result in the amino acid substitution p.Pro175Ser. To our knowledge, this variant has not been reported in the literature. This variant is reported in 0.021% of alleles in individuals of African descent in gnomAD. At this time, the clinical significance of this variant is uncertain due to the absence of conclusive functional and genetic evidence.

GeneDx
Classification: Uncertain significance. Last evaluated: 2022-01-18. Review status: criteria provided, single submitter. Criteria: GeneDx Variant Classification Process June 2021. Collection method: clinical testing. Allele origin: germline. Affected: yes.
Comment: In silico analysis supports that this missense variant has a deleterious effect on protein structure/function; Has not been previously published as pathogenic or benign to our knowledge